The following is an entry in ClinVar:

ClinVar aggregate classification (germline): Conflicting classifications of pathogenicity. Review status: criteria provided, conflicting classifications (1 of 4 stars). 2 submissions from 2 submitters: Uncertain significance (1); Likely benign (1). Last evaluated 2022-06-09.

Conditions:
Inborn genetic diseases. Identifiers: MedGen C0950123, MeSH D030342.

Allele frequency attached by ClinVar (database versions not stated): gnomAD 0.00001; gnomAD exomes 0.00001; TOPMed 0.00003; ExAC 0.00006.
gnomAD v4.1: 6 of 1,205,495 alleles (0.0005%); highest among the groups gnomAD compares: Admixed American, 0.013%; no homozygotes.

Submissions (2):

GeneDx
Classification: Uncertain significance. Last evaluated: 2022-06-09. Review status: criteria provided, single submitter. Criteria: GeneDx Variant Classification Process June 2021. Collection method: clinical testing. Allele origin: germline. Affected: yes.
Comment: In silico analysis supports that this missense variant does not alter protein structure/function; Has not been previously published as pathogenic or benign to our knowledge

Ambry Genetics
Classification: Likely benign for Inborn genetic diseases. Last evaluated: 2022-03-23. Review status: criteria provided, single submitter. Criteria: Ambry Variant Classification Scheme 2023. Collection method: clinical testing. Allele origin: germline.

NM_001330574.2(ZNF711):c.1435T>A (p.Leu479Ile)

Gene: ZNF711 (zinc finger protein 711; plus strand). Cytogenetic location: Xq21.1.
Variant type: single nucleotide variant.
Coding change: c.1435T>A on transcript NM_001330574.2 (MANE Select); coding-DNA position 1435, T replaced by A.
Protein change: p.Leu479Ile; replaces leucine 479 with isoleucine.
Molecular consequence: missense variant.
Genome position (GRCh38, 1-based): chrX:85,270,839, T>A. VCF-style: chrX-85270839-T-A. GRCh37 (hg19) VCF-style: chrX-84525845-T-A.
Other names: c.1435T>A, p.Leu479Ile (NM_001375431.1, NM_001375432.1, NM_001375433.1); c.1297T>A, p.Leu433Ile (NM_001375434.1, NM_001375435.1, NM_001375436.1 and 2 more transcripts); short protein forms L433I, L479I.
Identifiers: ClinVar variation 1803466 (VCV001803466.4), dbSNP rs780164828, ClinGen allele CA10464765.